The following is an entry in ClinVar:

NM_001142864.4(PIEZO1):c.7468_7482del (p.Thr2490_Glu2494del)

Gene: PIEZO1 (piezo type mechanosensitive ion channel component 1 (Er blood group); minus strand). Cytogenetic location: 16q24.3.
Variant type: Deletion.
Coding change: c.7468_7482del on transcript NM_001142864.4 (MANE Select); coding-DNA positions 7468 to 7482, 15 bases deleted (ACTCGGGAGCTGGAG).
Protein change: p.Thr2490_Glu2494del.
Molecular consequence: inframe deletion.
Genome position (GRCh38, 1-based): chr16:88,715,689-88,715,703, CTCCAGCTCCCGAGT deleted on the plus strand (ACTCGGGAGCTGGAG on the coding strand, the reverse complement: PIEZO1 is on the minus strand); deleting any 15 consecutive bases within chr16:88,715,689-88,715,707 gives the same sequence; the c. name uses the placement nearest the transcript's 3' end. VCF-style (leftmost placement, unchanged base first): chr16-88715688-GCTCCAGCTCCCGAGT-G. GRCh37 (hg19) VCF-style: chr16-88782096-GCTCCAGCTCCCGAGT-G.
Identifiers: ClinVar variation 4994287 (VCV004994287.1).
Genomic context (GRCh38, chr16:88,715,688, plus strand): 5'-TGATCATGGTCTCCGGTGAGCGGTAGAGGAAGATGAGCTTGGCGTACAACTCCTCCTCCA[GCTCCAGCTCCCGAGT>G]CTCCCGCACCAGGAAGATGTCCTGGCAGAGCTTGAGGATGCGGTCCACGCACGGCAGCTC-3'

ClinVar aggregate classification (germline): Uncertain significance (1 of 4 stars; one submission).

Conditions:
PIEZO1-related disorder. Also called: PIEZO1-Related Disorders; PIEZO1-related condition.

Submission:

PreventionGenetics, part of Exact Sciences
Classification: Uncertain significance for PIEZO1-related condition. Last evaluated: 2026-04-22. Review status: criteria provided, single submitter. Criteria: ACMG Guidelines, 2015. Collection method: clinical testing. Allele origin: germline.
Comment: The PIEZO1 c.7468_7482del15 variant is predicted to result in an in-frame deletion (p.Thr2490_Glu2494del). To our knowledge, this variant has not been reported in the literature or in a large population database (gnomAD), indicating this variant is rare. At this time, the clinical significance of this variant is uncertain due to the absence of conclusive functional and genetic evidence.